The following is an entry in ClinVar:

NM_002160.4(TNC):c.5243C>T (p.Thr1748Ile)

Gene: TNC (tenascin C; minus strand). Cytogenetic location: 9q33.1.
Variant type: single nucleotide variant.
Coding change: c.5243C>T on transcript NM_002160.4 (MANE Select); coding-DNA position 5243, C replaced by T.
Protein change: p.Thr1748Ile; replaces threonine 1748 with isoleucine.
Molecular consequence: missense variant.
Genome position (GRCh38, 1-based): chr9:115,042,224, G>A on the plus strand (C>T on the coding strand, the complement: TNC is on the minus strand). VCF-style: chr9-115042224-G-A. GRCh37 (hg19) VCF-style: chr9-117804503-G-A.
Other names: c.4697C>T, p.Thr1566Ile (NM_001410991.1, NM_001439083.1, NM_001439084.1 and 2 more transcripts); c.5792C>T, p.Thr1931Ile (NM_001439065.1, NM_001439066.1, NM_001439067.1); c.5519C>T, p.Thr1840Ile (NM_001439068.1, NM_001439069.1, NM_001439070.1); c.5516C>T, p.Thr1839Ile (NM_001439071.1); c.5246C>T, p.Thr1749Ile (NM_001439072.1, NM_001439073.1); c.5243C>T, p.Thr1748Ile (NM_001439074.1, NM_001439075.1, NM_001439076.1); c.4970C>T, p.Thr1657Ile (NM_001439077.1, NM_001439078.1, NM_001439079.1 and 3 more transcripts); c.4424C>T, p.Thr1475Ile (NM_001439087.1, NM_001439088.1); and 4 more; short protein forms T1111I, T1931I, T1202I, T1475I, T1566I, T1293I, T1748I, T1749I.
Identifiers: ClinVar variation 4988256 (VCV004988256.1).

ClinVar aggregate classification (germline): Uncertain significance (1 of 4 stars; one submission).

Conditions:
TNC-related disorder. Also called: TNC-related condition.

gnomAD v4.1: 2 of 1,613,798 alleles (0.00012%); highest among the groups gnomAD compares: African/African-American, 0.0013%; no homozygotes.

Submission:

PreventionGenetics, part of Exact Sciences
Classification: Uncertain significance for TNC-related condition. Last evaluated: 2025-08-09. Review status: criteria provided, single submitter. Criteria: ACMG Guidelines, 2015. Collection method: clinical testing. Allele origin: germline.
Comment: The TNC c.5243C>T variant is predicted to result in the amino acid substitution p.Thr1748Ile. To our knowledge, this variant has not been reported in the literature. This variant is reported in 0.0062% of alleles in individuals of African descent in gnomAD. At this time, the clinical significance of this variant is uncertain due to the absence of conclusive functional and genetic evidence.